The following is an entry in ClinVar:

ClinVar aggregate classification (germline): Uncertain significance (1 of 4 stars; one submission).

Conditions:
Bloom syndrome (BLM). Also called: Bloom-Torre-Machacek syndrome. Identifiers: Orphanet 125, MedGen C0005859, MONDO:0008876, OMIM 210900.

Allele frequency attached by ClinVar (database versions not stated): TOPMed 0.00001.
gnomAD v4.1: 1 of 1,613,958 alleles (0.000062%); highest among the groups gnomAD compares: Admixed American, 0.0017%; no homozygotes.

Submission:

Labcorp Genetics (formerly Invitae), Labcorp
Classification: Uncertain significance for Bloom syndrome. Last evaluated: 2020-12-01. Review status: criteria provided, single submitter. Criteria: Invitae Variant Classification Sherloc (09022015). Collection method: clinical testing. Allele origin: germline.
Comment: This sequence change replaces aspartic acid with histidine at codon 840 of the BLM protein (p.Asp840His). The aspartic acid residue is highly conserved and there is a moderate physicochemical difference between aspartic acid and histidine. This variant is not present in population databases (ExAC no frequency). This variant has not been reported in the literature in individuals with BLM-related conditions. Algorithms developed to predict the effect of missense changes on protein structure and function are either unavailable or do not agree on the potential impact of this missense change (SIFT: "Deleterious"; PolyPhen-2: "Probably Damaging"; Align-GVGD: "Class C0"). In summary, the available evidence is currently insufficient to determine the role of this variant in disease. Therefore, it has been classified as a Variant of Uncertain Significance.

NM_000057.4(BLM):c.2518G>C (p.Asp840His)

Gene: BLM (BLM RecQ like helicase; plus strand). Cytogenetic location: 15q26.1.
Variant type: single nucleotide variant.
Coding change: c.2518G>C on transcript NM_000057.4 (MANE Select); coding-DNA position 2518, G replaced by C.
Protein change: p.Asp840His; replaces aspartic acid 840 with histidine.
Molecular consequence: missense variant.
Genome position (GRCh38, 1-based): chr15:90,769,549, G>C. VCF-style: chr15-90769549-G-C. GRCh37 (hg19) VCF-style: chr15-91312779-G-C.
Other names: c.2518G>C, p.Asp840His (NM_001287246.2, NM_001287247.2); c.1393G>C, p.Asp465His (NM_001287248.2); short protein forms D465H, D840H.
Identifiers: ClinVar variation 949636 (VCV000949636.10), dbSNP rs1238410843, ClinGen allele CA393845490.